The following is an entry in ClinVar:

NM_201384.3(PLEC):c.1726C>T (p.Arg576Trp)

Gene: PLEC (plectin; minus strand). Cytogenetic location: 8q24.3.
Variant type: single nucleotide variant.
Coding change: c.1726C>T on transcript NM_201384.3 (MANE Select); coding-DNA position 1726, C replaced by T.
Protein change: p.Arg576Trp; replaces arginine 576 with tryptophan.
Molecular consequence: missense variant.
Genome position (GRCh38, 1-based): chr8:143,932,804, G>A on the plus strand (C>T on the coding strand, the complement: PLEC is on the minus strand). VCF-style: chr8-143932804-G-A. GRCh37 (hg19) VCF-style: chr8-145006972-G-A.
Other names: c.1807C>T, p.Arg603Trp (NM_000445.5); c.1684C>T, p.Arg562Trp (NM_201378.4); c.1660C>T, p.Arg554Trp (NM_201379.3); c.2137C>T, p.Arg713Trp (NM_201380.4); c.1630C>T, p.Arg544Trp (NM_201381.3); c.1726C>T, p.Arg576Trp (NM_201382.4); c.1738C>T, p.Arg580Trp (NM_201383.3); short protein forms R580W, R713W, R544W, R562W, R576W, R603W, R554W.
Identifiers: ClinVar variation 845957 (VCV000845957.8), dbSNP rs201837064, ClinGen allele CA4927892.

ClinVar aggregate classification (germline): Uncertain significance. Review status: criteria provided, multiple submitters, no conflicts (2 of 4 stars). 2 submissions from 2 submitters: Uncertain significance (2). Last evaluated 2026-04-15.

Conditions:
PLEC-related disorder. Also called: PLEC-related condition; PLEC-related disorders.
Autosomal recessive limb-girdle muscular dystrophy type 2Q (LGMDR17). Also called: MUSCULAR DYSTROPHY, LIMB-GIRDLE, AUTOSOMAL RECESSIVE 17. Identifiers: Orphanet 254361, MedGen C3150989, MONDO:0013390, OMIM 613723.
Epidermolysis bullosa simplex, Ogna type (EBS5A). Also called: Pidermolysis bullosa simplex 5A, Ogna type; EPIDERMOLYSIS BULLOSA SIMPLEX 5A, OGNA TYPE. Identifiers: Orphanet 79401, MedGen C0432317, MONDO:0007555, OMIM 131950.
Epidermolysis bullosa simplex with nail dystrophy (EBS5D). Identifiers: MedGen C4225309, MONDO:0014661, OMIM 616487.
Epidermolysis bullosa simplex 5C, with pyloric atresia (EBS5C). Also called: PLEC-Related Epidermolysis Bullosa with Pyloric Atresia; Epidermolysis bullosa simplex with pyloric atresia; PLEC1-Related Epidermolysis Bullosa with Pyloric Atresia. Identifiers: Orphanet 158684, MedGen C2677349, MONDO:0012807, OMIM 612138.
Epidermolysis bullosa simplex 5B, with muscular dystrophy (EBS5B). Also called: EPIDERMOLYSIS BULLOSA SIMPLEX AND LIMB-GIRDLE MUSCULAR DYSTROPHY; Epidermolysis bullosa simplex with muscular dystrophy. Identifiers: Orphanet 257, MedGen C2931072, MONDO:0009181, OMIM 226670.

Allele frequency attached by ClinVar (database versions not stated): ExAC 0.00001; gnomAD 0.00001 and 0.00002; gnomAD exomes 0.00001 and 0.00002; TOPMed 0.00002; 1000 Genomes Project 0.00020; 1000 Genomes Project 30x 0.00031.
gnomAD v4.1: 20 of 1,612,292 alleles (0.0012%); highest among the groups gnomAD compares: East Asian, 0.0045%; no homozygotes.

Submissions (2):

PreventionGenetics, part of Exact Sciences
Classification: Uncertain significance for PLEC-related condition. Last evaluated: 2026-04-15. Review status: criteria provided, single submitter. Criteria: ACMG Guidelines, 2015. Collection method: clinical testing. Allele origin: germline.
Comment: The PLEC c.1807C>T variant is predicted to result in the amino acid substitution p.Arg603Trp. To our knowledge, this variant has not been reported in the literature. This variant is reported in 0.011% of alleles in individuals of East Asian descent in gnomAD. At this time, the clinical significance of this variant is uncertain due to the absence of conclusive functional and genetic evidence.

Labcorp Genetics (formerly Invitae), Labcorp
Classification: Uncertain significance for Autosomal recessive limb-girdle muscular dystrophy type 2Q; Epidermolysis bullosa simplex, Ogna type; Epidermolysis bullosa simplex with nail dystrophy; Epidermolysis bullosa simplex 5C, with pyloric atresia; Epidermolysis bullosa simplex 5B, with muscular dystrophy. Last evaluated: 2026-01-14. Review status: criteria provided, single submitter. Criteria: Invitae Variant Classification Sherloc (09022015). Collection method: clinical testing. Allele origin: germline.
Comment: This sequence change replaces arginine, which is basic and polar, with tryptophan, which is neutral and slightly polar, at codon 603 of the PLEC protein (p.Arg603Trp). This variant is present in population databases (rs201837064, gnomAD 0.01%). This variant has not been reported in the literature in individuals affected with PLEC-related conditions. ClinVar contains an entry for this variant (Variation ID: 845957). Invitae Evidence Modeling of protein sequence and biophysical properties (such as structural, functional, and spatial information, amino acid conservation, physicochemical variation, residue mobility, and thermodynamic stability) has been performed for this missense variant. However, the output from this modeling did not meet the statistical confidence thresholds required to predict the impact of this variant on PLEC protein function. In summary, the available evidence is currently insufficient to determine the role of this variant in disease. Therefore, it has been classified as a Variant of Uncertain Significance.